The following is an entry in ClinVar:

ClinVar aggregate classification (germline): Uncertain significance. Review status: criteria provided, multiple submitters, no conflicts (2 of 4 stars). 2 submissions from 2 submitters: Uncertain significance (2). Last evaluated 2025-10-14.

Conditions:
Factor I deficiency (CFID). Also called: Complement factor I deficiency. Identifiers: Orphanet 200418, MedGen C3463916, MONDO:0012594, OMIM 610984.
Atypical hemolytic-uremic syndrome with I factor anomaly. Also called: HEMOLYTIC UREMIC SYNDROME, ATYPICAL, SUSCEPTIBILITY TO, 3; AHUS, SUSCEPTIBILITY TO, 3. Identifiers: Orphanet 2134, MedGen C2752039, MONDO:0013041, OMIM 612923.
Age related macular degeneration 13. Identifiers: MedGen C3809523, MONDO:0014189, OMIM 615439.

Allele frequency attached by ClinVar (database versions not stated): gnomAD 0.00001; gnomAD exomes 0.00001; TOPMed 0.00001; ExAC 0.00002.
gnomAD v4.1: 12 of 1,613,070 alleles (0.00074%); highest among the groups gnomAD compares: South Asian, 0.013%; no homozygotes.

Submissions (2):

Labcorp Genetics (formerly Invitae), Labcorp
Classification: Uncertain significance. Last evaluated: 2025-10-14. Review status: criteria provided, single submitter. Criteria: Invitae Variant Classification Sherloc (09022015). Collection method: clinical testing. Allele origin: germline.
Comment: This sequence change falls in intron 8 of the CFI gene. It does not directly change the encoded amino acid sequence of the CFI protein. It affects a nucleotide within the consensus splice site. This variant is present in population databases (rs777542916, gnomAD 0.006%). This variant has not been reported in the literature in individuals affected with CFI-related conditions. ClinVar contains an entry for this variant (Variation ID: 2074678). Variants that disrupt the consensus splice site are a relatively common cause of aberrant splicing (PMID: 17576681, 9536098). Algorithms developed to predict the effect of sequence changes on RNA splicing suggest that this variant is not likely to affect RNA splicing. In summary, the available evidence is currently insufficient to determine the role of this variant in disease. Therefore, it has been classified as a Variant of Uncertain Significance.

Fulgent Genetics
Classification: Uncertain significance for Factor I deficiency; Atypical hemolytic-uremic syndrome with I factor anomaly; Age related macular degeneration 13. Last evaluated: 2024-03-20. Review status: criteria provided, single submitter. Criteria: ACMG Guidelines, 2015. Collection method: clinical testing. Allele origin: germline.

Literature cited by the submitters: PubMed 17576681 (cited by Labcorp Genetics (formerly Invitae), Labcorp); PubMed 9536098 (cited by Labcorp Genetics (formerly Invitae), Labcorp).

NM_000204.5(CFI):c.940+6C>A

Gene: CFI (complement factor I; minus strand). Cytogenetic location: 4q25.
Variant type: single nucleotide variant.
Coding change: c.940+6C>A on transcript NM_000204.5 (MANE Select); 6 bases into the intron after coding-DNA position 940, C replaced by A.
Molecular consequence: intron variant.
Genome position (GRCh38, 1-based): chr4:109,752,462, G>T on the plus strand (C>A on the coding strand, the complement: CFI is on the minus strand). VCF-style: chr4-109752462-G-T. GRCh37 (hg19) VCF-style: chr4-110673618-G-T.
Other names: c.919+6C>A (NM_001375282.1, NM_001375280.1, NM_001331035.2); c.940+6C>A (NM_001375281.1, NM_001375279.1); c.964+6C>A (NM_001375278.1, NM_001318057.2); c.331+6C>A (NM_001375284.1); c.884-2860C>A (NM_001375283.1).
Identifiers: ClinVar variation 2074678 (VCV002074678.5), dbSNP rs777542916, ClinGen allele CA3042084.